The following is an entry in ClinVar:

NM_004281.4(BAG3):c.1363G>A (p.Glu455Lys)

Gene: BAG3 (BAG cochaperone 3; plus strand). Cytogenetic location: 10q26.11.
Variant type: single nucleotide variant.
Coding change: c.1363G>A on transcript NM_004281.4 (MANE Select); coding-DNA position 1363, G replaced by A.
Protein change: p.Glu455Lys; replaces glutamic acid 455 with lysine.
Molecular consequence: missense variant.
Genome position (GRCh38, 1-based): chr10:119,676,917, G>A. VCF-style: chr10-119676917-G-A. GRCh37 (hg19) VCF-style: chr10-121436429-G-A.
Other names: short protein forms E455K.
Identifiers: ClinVar variation 44778 (VCV000044778.21), dbSNP rs397516881, ClinGen allele CA135016.
Genomic context (GRCh38, chr10:119,676,917, plus strand): 5'-CTGGAGCAGGCTGTAGACAACTTTGAAGGCAAGAAGACTGACAAAAAGTACCTGATGATC[G>A]AAGAGTATTTGACCAAAGAGCTGCTGGCCCTGGATTCAGTGGACCCCGAGGGACGAGCCG-3'
Protein context (NP_004272.2, residues 445-465): KKTDKKYLMI[Glu455Lys]EYLTKELLAL

ClinVar aggregate classification (germline): Pathogenic. Review status: criteria provided, multiple submitters, no conflicts (2 of 4 stars). 7 submissions from 7 submitters: Pathogenic (7). Last evaluated 2026-01-15.

Conditions:
BAG3-related disorder. Also called: BAG3-related condition.
Myofibrillar myopathy 6. Identifiers: Orphanet 199340, MedGen C2751831, MONDO:0013061, OMIM 612954.
Dilated cardiomyopathy 1HH (CMD1HH). Identifiers: Orphanet 154, MedGen C3151293, MONDO:0013479, OMIM 613881.
Cardiovascular phenotype. Identifiers: MedGen CN230736.
Primary dilated cardiomyopathy (DCM). Also called: Dilated Cardiomyopathy. Identifiers: Orphanet 217604, MedGen C0007193, MeSH D002311, MONDO:0005021, HP:0001644. Inheritance: Various modes of inheritance.

Submissions (7):

GeneDx
Classification: Pathogenic. Last evaluated: 2026-01-15. Review status: criteria provided, single submitter. Criteria: GeneDx Variant Classification Process June 2021. Collection method: clinical testing. Allele origin: germline. Affected: yes.
Comment: Published functional studies demonstrate that E455K results in loss of function by decreasing the interaction between BAG3 and small heat shock proteins, thus deregulating cardiomyocyte homeostasis leading to dilated cardiomyopathy (PMID: 28737513); Not observed at significant frequency in large population cohorts (gnomAD); In silico analysis supports that this missense variant has a deleterious effect on protein structure/function; This variant is associated with the following publications: (PMID: 21459883, 25008357, 36129056, 22337857, 27474739, 31737537, 32458740, 32472079, 34908187, 28737513, 21353195, 30442290, 20001957, 39195919)

Labcorp Genetics (formerly Invitae), Labcorp
Classification: Pathogenic for Dilated cardiomyopathy 1HH; Myofibrillar myopathy 6. Last evaluated: 2025-07-02. Review status: criteria provided, single submitter. Criteria: Invitae Variant Classification Sherloc (09022015). Collection method: clinical testing. Allele origin: germline.
Comment: This sequence change replaces glutamic acid, which is acidic and polar, with lysine, which is basic and polar, at codon 455 of the BAG3 protein (p.Glu455Lys). This variant is not present in population databases (gnomAD no frequency). This missense change has been observed in individuals with dilated cardiomyopathy (PMID: 2159883, 25008357). It has also been observed to segregate with disease in related individuals. ClinVar contains an entry for this variant (Variation ID: 44778). Invitae Evidence Modeling of protein sequence and biophysical properties (such as structural, functional, and spatial information, amino acid conservation, physicochemical variation, residue mobility, and thermodynamic stability) indicates that this missense variant is expected to disrupt BAG3 protein function with a positive predictive value of 80%. For these reasons, this variant has been classified as Pathogenic.

Victorian Clinical Genetics Services, Murdoch Childrens Research Institute
Classification: Pathogenic for Dilated cardiomyopathy 1HH. Last evaluated: 2025-05-16. Review status: criteria provided, single submitter. Criteria: ACMG Guidelines, 2015. Collection method: clinical testing. Allele origin: germline.
Comment: This variant is classified as Pathogenic. Evidence in support of pathogenic classification: Variant is absent from gnomAD (v2, v3 and v4); This variant has strong previous evidence of pathogenicity in unrelated individuals. This variant has been classified as pathogenic by clinical laboratories in ClinVar, and reported in the literature in individuals with dilated cardiomyopathy (PMIDs: 25008357, 32458740, 21459883); Missense variant predicted to be damaging by in silico tool(s) or highly conserved with a major amino acid change; Additional information: Variant is predicted to result in a missense amino acid change from glutamic acid to lysine; This variant is heterozygous; This gene is associated with autosomal dominant disease; Variant is located in the annotated BAG domain (DECIPHER); Loss of function and gain of function are known mechanisms of disease in this gene and are associated with dilated cardiomyopathy, 1HH (DCM; MIM#613881) and myofibrillar myopathy, 6 (MIM#612954). Missense variants with a gain of function effect have been reported in individuals with myopathy, whereas missense variants with a loss of function effect and variants resulting in a premature termination codon, have been reported in individuals with DCM (OMIM, PMID: 30442290); The condition associated with this gene has incomplete penetrance (PMIDs: 30442290, 33989081).

Blueprint Genetics
Classification: Pathogenic for BAG3-related disorders. Last evaluated: 2024-09-27. Review status: criteria provided, single submitter. Criteria: ACMG Guidelines, 2015. Collection method: clinical testing. Allele origin: germline. Affected: yes. Observed: 2 variant alleles.

Genomic Medicine Center of Excellence, King Faisal Specialist Hospital and Research Centre
Classification: Pathogenic for Myofibrillar myopathy 6. Last evaluated: 2024-03-25. Review status: criteria provided, single submitter. Criteria: ACMG Guidelines, 2015. Collection method: clinical testing. Allele origin: germline.

Ambry Genetics
Classification: Pathogenic for Cardiovascular phenotype. Last evaluated: 2020-08-26. Review status: criteria provided, single submitter. Criteria: Ambry Variant Classification Scheme 2023. Collection method: clinical testing. Allele origin: germline.
Comment: The p.E455K pathogenic mutation (also known as c.1363G>A), located in coding exon 4 of the BAG3 gene, results from a G to A substitution at nucleotide position 1363. The glutamic acid at codon 455 is replaced by lysine, an amino acid with similar properties. This alteration has been reported in individuals with dilated cardiomyopathy (DCM), and shown to segregate with disease in multiple families (Villard E et al. Eur Heart J. 2011;32(9):1065-76; Dominguez et al. J Am Coll Cardiol. 2018;72(20):2471-2481; Franaszczyk M et al. J Transl Med. 2014;12:192). Furthermore, mice with cardiac-specific BAG3 knockdown or cardiac-specific BAG3-E455K knock-in developed DCM; decreased levels of small heat shock proteins were observed, and the E455K-BAG3 protein demonstrated defective interaction with HSP70, consistent with loss-of-function as the mechanism of disease (Fang X et al. J. Clin. Invest., 2017 Aug;127:3189-3200). In addition, other loss of function alterations in the BAG domain have been reported with strong segregation in numerous cases of familial DCM (Norton N et al. Am J Hum Genet. 2011;88(3):273-82; Villard E et al. Eur Heart J. 2011;32(9):1065-76; Franaszczyk M et al. J Transl Med. 2014;12:192). Based on the supporting evidence, this alteration is interpreted as a disease-causing mutation.

Laboratory for Molecular Medicine, Mass General Brigham Personalized Medicine
Classification: Pathogenic for Primary dilated cardiomyopathy. Last evaluated: 2017-08-07. Review status: criteria provided, single submitter. Criteria: LMM Criteria. Collection method: clinical testing. Allele origin: germline. Inheritance: Autosomal dominant inheritance. Observed: 1 variant allele.
Comment: The p.Glu455Lys variant in BAG3 has been identified in 4 individuals with DCM, s egregated with disease in 6 affected relatives from 3 families (Villard 2011, Fr anaszczyk 2014, LMM unpublished data), and was absent from large population stud ies. Additionally, a mouse model harboring this variant presented with DCM (Fang 2017). In summary, this variant meets criteria to be classified as pathogenic f or DCM in an autosomal dominant manner based upon segregation studies, absence f rom controls, and functional evidence.

Literature cited by the submitters: PubMed 2159883 (cited by Labcorp Genetics (formerly Invitae), Labcorp); PubMed 25008357 (cited by 4 submitters); PubMed 33989081 (cited by Victorian Clinical Genetics Services, Murdoch Childrens Research Institute); PubMed 32458740 (cited by Victorian Clinical Genetics Services, Murdoch Childrens Research Institute and Ambry Genetics); PubMed 30442290 (cited by Victorian Clinical Genetics Services, Murdoch Childrens Research Institute and Ambry Genetics); PubMed 21459883 (cited by 3 submitters); PubMed 21353195 (cited by Ambry Genetics); PubMed 22337857 (cited by Ambry Genetics and Laboratory for Molecular Medicine, Mass General Brigham Personalized Medicine); PubMed 28737513 (cited by Ambry Genetics and Laboratory for Molecular Medicine, Mass General Brigham Personalized Medicine).